The following is an entry in ClinVar:

ClinVar aggregate classification (germline): Uncertain significance (1 of 4 stars; one submission).

Submission:

GeneDx
Classification: Uncertain significance. Last evaluated: 2023-11-29. Review status: criteria provided, single submitter. Criteria: GeneDx Variant Classification Process June 2021. Collection method: clinical testing. Allele origin: germline. Affected: yes.
Comment: Not observed at significant frequency in large population cohorts (gnomAD); In silico analysis supports that this missense variant has a deleterious effect on protein structure/function; Has not been previously published as pathogenic or benign to our knowledge

NM_004187.5(KDM5C):c.236C>A (p.Thr79Lys)

Gene: KDM5C (lysine demethylase 5C; minus strand). Cytogenetic location: Xp11.22.
Variant type: single nucleotide variant.
Coding change: c.236C>A on transcript NM_004187.5 (MANE Select); coding-DNA position 236, C replaced by A.
Protein change: p.Thr79Lys; replaces threonine 79 with lysine.
Molecular consequence: missense variant. On other transcripts: non-coding transcript variant (2), intron variant (1).
Genome position (GRCh38, 1-based): chrX:53,218,391, G>T on the plus strand (C>A on the coding strand, the complement: KDM5C is on the minus strand). VCF-style: chrX-53218391-G-T. GRCh37 (hg19) VCF-style: chrX-53247573-G-T.
Other names: c.236C>A, p.Thr79Lys (NM_001282622.3, NM_001353978.3, NM_001353979.2 and 3 more transcripts); c.151-425C>A (NM_001146702.2); short protein forms T79K.
Identifiers: ClinVar variation 3364892 (VCV003364892.1).
Genomic context (GRCh38, chrX:53,218,391, plus strand): 5'-GAGGAGCCCTGGATTTCCCAGAATTTGGCAATCTGGTCCAAGTAGTTCAGTTTCACTCTC[G>T]TCTGGGCCTGAAGAAGAAATGGCTCAAAGAGGCTGGCCACCCCCTCCCACTGACCACTAT-3'
Protein context (NP_004178.2, residues 69-89): IQRLNELEAQ[Thr79Lys]RVKLNYLDQI